The following is an entry in ClinVar:

ClinVar aggregate classification (germline): Uncertain significance (1 of 4 stars; one submission).

gnomAD v4.1: 11 of 1,614,192 alleles (0.00068%); highest among the groups gnomAD compares: African/African-American, 0.0013%; no homozygotes.

Submission:

Women's Health and Genetics/Laboratory Corporation of America, LabCorp
Classification: Uncertain significance. Last evaluated: 2026-05-08. Review status: criteria provided, single submitter. Criteria: LabCorp Variant Classification Summary - May 2015. Collection method: clinical testing. Allele origin: germline.
Comment: Variant summary: MCM3AP c.233C>T (p.Thr78Ile) results in a non-conservative amino acid change in the encoded protein sequence. Algorithms developed to predict the effect of missense changes on protein structure and function are either unavailable or do not agree on the potential impact of this missense change. The variant allele was found at a frequency of 8e-06 in 251474 control chromosomes. The available data on variant occurrences in the general population are insufficient to allow any conclusion about variant significance. To our knowledge, no occurrence of c.233C>T in individuals affected with MCM3AP-related conditions and no experimental evidence demonstrating its impact on protein function have been reported. No submitters have cited clinical-significance assessments for this variant to ClinVar. Based on the evidence outlined above, the variant was classified as uncertain significance.

NM_003906.5(MCM3AP):c.233C>T (p.Thr78Ile)

Gene: MCM3AP (minichromosome maintenance complex component 3 associated protein; minus strand). Cytogenetic location: 21q22.3.
Variant type: single nucleotide variant.
Coding change: c.233C>T on transcript NM_003906.5 (MANE Select); coding-DNA position 233, C replaced by T.
Protein change: p.Thr78Ile; replaces threonine 78 with isoleucine.
Molecular consequence: missense variant.
Genome position (GRCh38, 1-based): chr21:46,285,054, G>A on the plus strand (C>T on the coding strand, the complement: MCM3AP is on the minus strand). VCF-style: chr21-46285054-G-A. GRCh37 (hg19) VCF-style: chr21-47704968-G-A.
Other names: short protein forms T78I.
Identifiers: ClinVar variation 4853406 (VCV004853406.1).
Genomic context (GRCh38, chr21:46,285,054, plus strand): 5'-CCAGAGGTAGCCACAAAGGTGGAAGTGTGCTCAAGTCCAGAAAAGGGTCCAACACTTGAG[G>A]TTTGGGTGAACCCTAATGTTTGCACTGAAGAGGAATGACTTACTCCAGAAGACGCTGGAA-3'
Protein context (NP_003897.2, residues 68-88): SSVQTLGFTQ[Thr78Ile]SSVGPFSGLE